The following is an entry in ClinVar:

ClinVar aggregate classification (germline): Uncertain significance (1 of 4 stars; one submission).

gnomAD v4.1: 8 of 1,613,934 alleles (0.0005%); highest among the groups gnomAD compares: Middle Eastern, 0.017%; no homozygotes.

Submission:

Labcorp Genetics (formerly Invitae), Labcorp
Classification: Uncertain significance. Last evaluated: 2022-09-05. Review status: criteria provided, single submitter. Criteria: Invitae Variant Classification Sherloc (09022015). Collection method: clinical testing. Allele origin: germline.
Comment: This sequence change replaces arginine, which is basic and polar, with glycine, which is neutral and non-polar, at codon 1424 of the DUOX2 protein (p.Arg1424Gly). This variant is not present in population databases (gnomAD no frequency). This variant has not been reported in the literature in individuals affected with DUOX2-related conditions. Advanced modeling of protein sequence and biophysical properties (such as structural, functional, and spatial information, amino acid conservation, physicochemical variation, residue mobility, and thermodynamic stability) performed at Invitae indicates that this missense variant is not expected to disrupt DUOX2 protein function. In summary, the available evidence is currently insufficient to determine the role of this variant in disease. Therefore, it has been classified as a Variant of Uncertain Significance.

NM_001363711.2(DUOX2):c.4270C>G (p.Arg1424Gly)

Gene: DUOX2 (dual oxidase 2; minus strand). Cytogenetic location: 15q21.1.
Variant type: single nucleotide variant.
Coding change: c.4270C>G on transcript NM_001363711.2 (MANE Select); coding-DNA position 4270, C replaced by G.
Protein change: p.Arg1424Gly; replaces arginine 1424 with glycine.
Molecular consequence: missense variant.
Genome position (GRCh38, 1-based): chr15:45,095,061, G>C on the plus strand (C>G on the coding strand, the complement: DUOX2 is on the minus strand). VCF-style: chr15-45095061-G-C. GRCh37 (hg19) VCF-style: chr15-45387259-G-C.
Other names: c.4270C>G, p.Arg1424Gly (NM_014080.5); short protein forms R1424G.
Identifiers: ClinVar variation 1951113 (VCV001951113.2), dbSNP rs769909588, ClinGen allele CA392250880.